The following is an entry in ClinVar:

ClinVar aggregate classification (germline): Benign. Review status: criteria provided, single submitter (1 of 4 stars). 2 submissions from 2 submitters: Benign (1). 1 of the submissions does not count toward it. Last evaluated 2026-02-01.

Conditions:
DNAH17-related disorder. Also called: DNAH17-related condition.

Allele frequency attached by ClinVar (database versions not stated): 1000 Genomes Project 0.00339; 1000 Genomes Project 30x 0.00390; gnomAD 0.00641; TOPMed 0.00654; ExAC 0.00663; ESP Exome Variant Server 0.00693; gnomAD exomes 0.01008.
gnomAD v4.1: 15,610 of 1,613,046 alleles (0.97%); highest among the groups gnomAD compares: Non-Finnish European, 1.2%; 91 homozygotes.

Submissions (2):

CeGaT Center for Human Genetics Tuebingen
Classification: Benign. Last evaluated: 2026-02-01. Review status: criteria provided, single submitter. Criteria: CeGaT Center For Human Genetics Tuebingen Variant Classification Criteria Version 2. Collection method: clinical testing. Allele origin: germline. Affected: yes. Observed: 3 variant alleles.
Comment: DNAH17: BP4, BP7, BS1, BS2

PreventionGenetics, part of Exact Sciences
Classification: Benign for DNAH17-related condition. Last evaluated: 2019-03-08. Review status: no assertion criteria provided. Collection method: clinical testing. Allele origin: germline. Not counted in ClinVar's aggregate classification.
Comment: This variant is classified as benign based on ACMG/AMP sequence variant interpretation guidelines (Richards et al. 2015 PMID: 25741868, with internal and published modifications).

NM_173628.4(DNAH17):c.6462C>T (p.Ala2154=)

Genes: DNAH17 (dynein axonemal heavy chain 17; minus strand), DNAH17-AS1 (DNAH17 antisense RNA 1; plus strand). Cytogenetic location: 17q25.3.
Variant type: single nucleotide variant.
Coding change: c.6462C>T on transcript NM_173628.4 (MANE Select); coding-DNA position 6462, C replaced by T.
Protein change: p.Ala2154=; no amino-acid change (alanine 2154 retained).
Molecular consequence: synonymous variant.
Genome position (GRCh38, 1-based): chr17:78,492,712, G>A on the plus strand (C>T on the coding strand, the complement: DNAH17 is on the minus strand). VCF-style: chr17-78492712-G-A. GRCh37 (hg19) VCF-style: chr17-76488794-G-A.
Other names: c.6462C>T (NM_173628.3).
Identifiers: ClinVar variation 2648362 (VCV002648362.25), dbSNP rs76641546, ClinGen allele CA8802756.